The following is an entry in ClinVar:

NM_138694.4(PKHD1):c.4118dup (p.Met1373fs)

Gene: PKHD1 (PKHD1 ciliary IPT domain containing fibrocystin/polyductin; minus strand). Cytogenetic location: 6p12.2.
Variant type: Duplication.
Coding change: c.4118dup on transcript NM_138694.4 (MANE Select); coding-DNA position 4118, one base duplicated (T; older notation c.4118dupT).
Protein change: p.Met1373fs; shifts the reading frame from methionine 1373.
Molecular consequence: frameshift variant.
Genome position (GRCh38, 1-based): chr6:52,025,692, A duplicated on the plus strand (T on the coding strand, the reverse complement: PKHD1 is on the minus strand). VCF-style (leftmost placement, unchanged base first): chr6-52025691-C-CA. GRCh37 (hg19) VCF-style: chr6-51890489-C-CA.
Other names: c.4118dupT (NM_138694.3); c.4118dup, p.Met1373fs (NM_170724.3); short protein forms M1373fs.
Identifiers: ClinVar variation 595103 (VCV000595103.12), dbSNP rs752305132, ClinGen allele CA3852775.

ClinVar aggregate classification (germline): Pathogenic/Likely pathogenic. Review status: criteria provided, multiple submitters, no conflicts (2 of 4 stars). 5 submissions from 5 submitters: Pathogenic (2); Likely pathogenic (3). Last evaluated 2025-10-28.

Conditions:
Polycystic kidney disease 4 (PKD4). Also called: Autosomal Recessive Polycystic Kidney Disease – PKHD1; POLYCYSTIC KIDNEY DISEASE 4 WITH OR WITHOUT POLYCYSTIC LIVER DISEASE; POLYCYSTIC KIDNEY AND HEPATIC DISEASE 1; POLYCYSTIC KIDNEY DISEASE, INFANTILE, TYPE I; PKD3. Identifiers: MedGen C4540575, MONDO:0033004, OMIM 263200.
Autosomal recessive polycystic kidney disease (ARPKD). Also called: AR polycystic kidney disease. Identifiers: Orphanet 731, Orphanet 8378, MedGen C0085548, MeSH D017044, MONDO:0009889.

Allele frequency attached by ClinVar (database versions not stated): gnomAD exomes below 0.00001; ExAC 0.00001.

Submissions (5):

Natera, Inc.
Classification: Likely pathogenic for Autosomal recessive polycystic kidney disease. Last evaluated: 2025-10-28. Review status: criteria provided, single submitter. Criteria: Natera Variant Classification Schema (03/2026). Collection method: clinical testing. Allele origin: germline.
Comment: The c.4118dupT variant in PKHD1 is a frameshift variant predicted to shift the reading frame beginning at codon 1373 and leads to a stop codon 5 codons downstream. This variant is expected to result in nonsense mediated decay, truncation, or a dysfunctional protein product. This variant is rare in the general population with a frequency below the threshold expected for the associated phenotype(s). Given the available evidence, this variant is classified as Likely Pathogenic.

Baylor Genetics
Classification: Likely pathogenic for Polycystic kidney disease 4. Last evaluated: 2023-11-10. Review status: criteria provided, single submitter. Criteria: ACMG Guidelines, 2015. Collection method: clinical testing. Allele origin: unknown.

Labcorp Genetics (formerly Invitae), Labcorp
Classification: Pathogenic for Autosomal recessive polycystic kidney disease. Last evaluated: 2023-11-07. Review status: criteria provided, single submitter. Criteria: Invitae Variant Classification Sherloc (09022015). Collection method: clinical testing. Allele origin: germline.
Comment: This sequence change creates a premature translational stop signal (p.Met1373Ilefs*5) in the PKHD1 gene. It is expected to result in an absent or disrupted protein product. Loss-of-function variants in PKHD1 are known to be pathogenic (PMID: 19940839). This variant is present in population databases (rs752305132, gnomAD 0.003%). This variant has not been reported in the literature in individuals affected with PKHD1-related conditions. ClinVar contains an entry for this variant (Variation ID: 595103). For these reasons, this variant has been classified as Pathogenic.

Fulgent Genetics
Classification: Likely pathogenic for Polycystic kidney disease 4. Last evaluated: 2021-07-25. Review status: criteria provided, single submitter. Criteria: ACMG Guidelines, 2015. Collection method: clinical testing. Allele origin: unknown.

Eurofins Ntd Llc (ga)
Classification: Pathogenic. Last evaluated: 2017-11-20. Review status: criteria provided, single submitter. Criteria: EGL Classification Definitions 2015. Collection method: clinical testing. Allele origin: germline. Observed: 1 variant allele, 1 heterozygote.

Literature cited by the submitters: PubMed 19940839 (cited by Labcorp Genetics (formerly Invitae), Labcorp).